The following is an entry in ClinVar:

NM_001267550.2(TTN):c.80273T>C (p.Met26758Thr)

Genes: TTN (titin; minus strand), TTN-AS1 (TTN antisense RNA 1; plus strand). Cytogenetic location: 2q31.2.
Variant type: single nucleotide variant.
Coding change: c.80273T>C on transcript NM_001267550.2 (MANE Select); coding-DNA position 80273, T replaced by C.
Protein change: p.Met26758Thr; replaces methionine 26758 with threonine.
Molecular consequence: missense variant.
Genome position (GRCh38, 1-based): chr2:178,565,859, A>G on the plus strand (T>C on the coding strand, the complement: TTN is on the minus strand). VCF-style: chr2-178565859-A-G. GRCh37 (hg19) VCF-style: chr2-179430586-A-G.
Other names: c.75350T>C, p.Met25117Thr (NM_001256850.1); c.53078T>C, p.Met17693Thr (NM_003319.4); c.72569T>C, p.Met24190Thr (NM_133378.4); c.53453T>C, p.Met17818Thr (NM_133432.3); c.53654T>C, p.Met17885Thr (NM_133437.4); short protein forms M17885T, M24190T, M25117T, M26758T, M17693T, M17818T.
Identifiers: ClinVar variation 2921157 (VCV002921157.2), dbSNP rs2468263654, ClinGen allele CA349589759.

ClinVar aggregate classification (germline): Uncertain significance. Review status: criteria provided, multiple submitters, no conflicts (2 of 4 stars). 2 submissions from 2 submitters: Uncertain significance (2). Last evaluated 2024-10-08.

gnomAD v4.1: 5 of 1,613,642 alleles (0.00031%); highest among the groups gnomAD compares: East Asian, 0.0022%; no homozygotes.

Submissions (2):

GeneDx
Classification: Uncertain significance. Last evaluated: 2024-10-08. Review status: criteria provided, single submitter. Criteria: GeneDx Variant Classification Process June 2021. Collection method: clinical testing. Allele origin: germline. Affected: yes.
Comment: Not observed at significant frequency in large population cohorts (gnomAD); Missense variant in a gene in which most reported pathogenic variants are truncating/loss of function; Has not been previously published as pathogenic or benign to our knowledge

ARUP Laboratories, Molecular Genetics and Genomics, ARUP Laboratories
Classification: Uncertain significance. Last evaluated: 2023-11-09. Review status: criteria provided, single submitter. Criteria: ARUP Molecular Germline Variant Investigation Process 2024. Collection method: clinical testing. Allele origin: germline.
Comment: The TTN c.80273T>C; p.Met26758Thr variant is rare in the general population (<0.2% allele frequency in the Genome Aggregation Database) and has not been reported in the medical literature in association with dilated cardiomyopathy (DCM) or other TTN-related disease. The clinical relevance of rare missense variants in this gene, which are identified on average once per individual sequenced in affected populations (Herman 2012), is not well understood. Yet, evidence suggests that the vast majority of such missense variants do not contribute to the clinical outcome of DCM (Begay 2015). Thus, the clinical significance of the p.Met26758Thr variant cannot be determined with certainty. References: Begay RL et al. Role of Titin Missense Variants in Dilated Cardiomyopathy. J Am Heart Assoc. 2015 Nov 13;4(11). PMID: 26567375. Herman DS et al. Truncations of titin causing dilated cardiomyopathy. N Engl J Med. 2012 Feb 16;366(7):619-28. PMID: 22335739. Linke WA and Hamdani N. Gigantic business: titin properties and function through thick and thin. Circ Res 2014; 114(6): 1052-1068. PMID: 24625729.